The following is an entry in ClinVar:

ClinVar aggregate classification (germline): Likely benign. Review status: criteria provided, multiple submitters, no conflicts (2 of 4 stars). 3 submissions from 3 submitters: Likely benign (3). Last evaluated 2026-02-01.

Conditions:
Retinal dystrophy. Also called: Inherited retinal dystrophy. Identifiers: Orphanet 71862, MedGen C0854723, MeSH D058499, MONDO:0019118, HP:0000556.

Allele frequency attached by ClinVar (database versions not stated): gnomAD exomes 0.00016; ExAC 0.00019; gnomAD 0.00023; TOPMed 0.00031; 1000 Genomes Project 30x 0.00047; 1000 Genomes Project 0.00060.
gnomAD v4.1: 258 of 1,474,736 alleles (0.017%); highest among the groups gnomAD compares: East Asian, 0.25%; 1 homozygote.

Submissions (3):

CeGaT Center for Human Genetics Tuebingen
Classification: Likely benign. Last evaluated: 2026-02-01. Review status: criteria provided, single submitter. Criteria: CeGaT Center For Human Genetics Tuebingen Variant Classification Criteria Version 2. Collection method: clinical testing. Allele origin: germline. Affected: yes. Observed: 1 variant allele.
Comment: BEST1: BP4, BP7

Blueprint Genetics
Classification: Likely benign. Last evaluated: 2024-11-27. Review status: criteria provided, single submitter. Criteria: ACMG Guidelines, 2015. Collection method: clinical testing. Allele origin: germline.

Dept Of Ophthalmology, Nagoya University
Classification: Likely benign for Retinal dystrophy. Last evaluated: 2023-10-01. Review status: criteria provided, single submitter. Criteria: Submitter's publication. Collection method: research. Allele origin: germline. Affected: yes.

NM_004183.4(BEST1):c.1739+190G>A

Gene: BEST1 (bestrophin 1; plus strand). Cytogenetic location: 11q12.3.
Variant type: single nucleotide variant.
Coding change: c.1739+190G>A on transcript NM_004183.4 (MANE Select); 190 bases into the intron after coding-DNA position 1739, G replaced by A.
Molecular consequence: intron variant. On other transcripts: synonymous variant (3).
Genome position (GRCh38, 1-based): chr11:61,963,083, G>A. VCF-style: chr11-61963083-G-A. GRCh37 (hg19) VCF-style: chr11-61730555-G-A.
Other names: c.1749G>A, p.Ser583= (NM_001139443.3); c.1611G>A, p.Ser537= (NM_001363591.3); c.*824G>A (NM_001363592.2); c.957G>A, p.Ser319= (NM_001363593.3); c.1559+190G>A (NM_001300787.2); c.1478+190G>A (NM_001300786.2).
Identifiers: ClinVar variation 3028222 (VCV003028222.6), dbSNP rs371205126, ClinGen allele CA6041145.